The following is an entry in ClinVar:

NM_022489.4(INF2):c.3066T>A (p.Asp1022Glu)

Gene: INF2 (inverted formin 2; plus strand). Cytogenetic location: 14q32.33.
Variant type: single nucleotide variant.
Coding change: c.3066T>A on transcript NM_022489.4 (MANE Select); coding-DNA position 3066, T replaced by A.
Protein change: p.Asp1022Glu; replaces aspartic acid 1022 with glutamic acid.
Molecular consequence: missense variant. On other transcripts: non-coding transcript variant (1).
Genome position (GRCh38, 1-based): chr14:104,714,228, T>A. VCF-style: chr14-104714228-T-A. GRCh37 (hg19) VCF-style: chr14-105180565-T-A.
Other names: p.Asp1022Glu; c.3066T>A, p.Asp1022Glu (NM_001031714.4, NM_001426862.1, NM_001426863.1 and 2 more transcripts); short protein forms D1022E.
Identifiers: ClinVar variation 3380240 (VCV003380240.3).

ClinVar aggregate classification (germline): Uncertain significance. Review status: criteria provided, multiple submitters, no conflicts (2 of 4 stars). 2 submissions from 2 submitters: Uncertain significance (2). Last evaluated 2024-03-08.

Conditions:
Focal segmental glomerulosclerosis 5 (FSGS5). Identifiers: Orphanet 656, MedGen C2750475, MONDO:0013191, OMIM 613237.
Charcot-Marie-Tooth disease dominant intermediate E. Also called: CHARCOT-MARIE-TOOTH NEUROPATHY WITH FOCAL SEGMENTAL GLOMERULONEPHRITIS. Identifiers: Orphanet 93114, MedGen C4302667, MONDO:0013758, OMIM 614455.

Submissions (2):

Labcorp Genetics (formerly Invitae), Labcorp
Classification: Uncertain significance for Charcot-Marie-Tooth disease dominant intermediate E; Focal segmental glomerulosclerosis 5. Last evaluated: 2024-03-08. Review status: criteria provided, single submitter. Criteria: Invitae Variant Classification Sherloc (09022015). Collection method: clinical testing. Allele origin: germline.
Comment: This sequence change replaces aspartic acid, which is acidic and polar, with glutamic acid, which is acidic and polar, at codon 1022 of the INF2 protein (p.Asp1022Glu). This variant is not present in population databases (gnomAD no frequency). This variant has not been reported in the literature in individuals affected with INF2-related conditions. Advanced modeling of protein sequence and biophysical properties (such as structural, functional, and spatial information, amino acid conservation, physicochemical variation, residue mobility, and thermodynamic stability) performed at Invitae indicates that this missense variant is not expected to disrupt INF2 protein function with a negative predictive value of 95%. In summary, the available evidence is currently insufficient to determine the role of this variant in disease. Therefore, it has been classified as a Variant of Uncertain Significance.

Mayo Clinic Laboratories, Mayo Clinic
Classification: Uncertain significance. Last evaluated: 2024-01-10. Review status: criteria provided, single submitter. Criteria: ACMG Guidelines, 2015. Collection method: clinical testing. Allele origin: germline. Observed: 1 variant allele.
Comment: BP4, PM2_moderate